The following is an entry in ClinVar:

NM_001252024.2(TRPM1):c.3904G>A (p.Glu1302Lys)

Gene: TRPM1 (transient receptor potential cation channel subfamily M member 1; minus strand). Cytogenetic location: 15q13.3.
Variant type: single nucleotide variant.
Coding change: c.3904G>A on transcript NM_001252024.2 (MANE Select); coding-DNA position 3904, G replaced by A.
Protein change: p.Glu1302Lys; replaces glutamic acid 1302 with lysine.
Molecular consequence: missense variant.
Genome position (GRCh38, 1-based): chr15:31,002,796, C>T on the plus strand (G>A on the coding strand, the complement: TRPM1 is on the minus strand). VCF-style: chr15-31002796-C-T. GRCh37 (hg19) VCF-style: chr15-31294999-C-T.
Other names: c.3955G>A, p.Glu1319Lys (NM_001252020.2); c.3838G>A, p.Glu1280Lys (NM_002420.6); short protein forms E1280K, E1302K, E1319K.
Identifiers: ClinVar variation 1000489 (VCV001000489.8), dbSNP rs191719470, ClinGen allele CA7451734.

ClinVar aggregate classification (germline): Uncertain significance. Review status: criteria provided, multiple submitters, no conflicts (2 of 4 stars). 2 submissions from 2 submitters: Uncertain significance (2). Last evaluated 2024-10-26.

Allele frequency attached by ClinVar (database versions not stated): gnomAD exomes 0.00001; ExAC 0.00002; gnomAD 0.00006 and 0.00007; TOPMed 0.00014; 1000 Genomes Project 0.00060; 1000 Genomes Project 30x 0.00062.
gnomAD v4.1: 14 of 1,614,226 alleles (0.00087%); highest among the groups gnomAD compares: Admixed American, 0.023%; 1 homozygote.

Submissions (2):

Labcorp Genetics (formerly Invitae), Labcorp
Classification: Uncertain significance. Last evaluated: 2024-10-26. Review status: criteria provided, single submitter. Criteria: Invitae Variant Classification Sherloc (09022015). Collection method: clinical testing. Allele origin: germline.
Comment: This sequence change replaces glutamic acid, which is acidic and polar, with lysine, which is basic and polar, at codon 1280 of the TRPM1 protein (p.Glu1280Lys). This variant is present in population databases (rs191719470, gnomAD 0.009%). This variant has not been reported in the literature in individuals affected with TRPM1-related conditions. ClinVar contains an entry for this variant (Variation ID: 1000489). Invitae Evidence Modeling of protein sequence and biophysical properties (such as structural, functional, and spatial information, amino acid conservation, physicochemical variation, residue mobility, and thermodynamic stability) indicates that this missense variant is not expected to disrupt TRPM1 protein function with a negative predictive value of 95%. In summary, the available evidence is currently insufficient to determine the role of this variant in disease. Therefore, it has been classified as a Variant of Uncertain Significance.

Blueprint Genetics
Classification: Uncertain significance. Last evaluated: 2021-12-28. Review status: criteria provided, single submitter. Criteria: ACMG Guidelines, 2015. Collection method: clinical testing. Allele origin: germline.